The following is an entry in ClinVar:

NM_001174096.2(ZEB1):c.3198GGA[6] (p.Glu1072_Val1073insGlu)

Gene: ZEB1 (zinc finger E-box binding homeobox 1; plus strand). Cytogenetic location: 10p11.22.
Variant type: Microsatellite.
Coding change: c.3198GGA[6] on transcript NM_001174096.2 (MANE Select); six copies in a row of the 3-base unit GGA starting at c.3198; the reference has five copies in a row; one copy, 3 bases duplicated.
Protein change: p.Glu1072_Val1073insGlu.
Genome position (GRCh38, 1-based): chr10:31,527,096-31,527,098, GGA duplicated; duplicating any 3 consecutive bases within chr10:31,527,082-31,527,098 gives the same sequence; the position shown is the placement nearest the transcript's 3' end. VCF-style (leftmost placement, unchanged base first): chr10-31527081-A-AGAG. GRCh37 (hg19) VCF-style: chr10-31816009-A-AGAG.
Other names: c.3147GGA[6], p.Glu1055_Val1056insGlu (NM_001128128.3); c.3135GGA[6], p.Glu1051_Val1052insGlu (NM_001174093.2); c.3144GGA[6], p.Glu1054_Val1055insGlu (NM_001174094.2); c.2994GGA[6], p.Glu1004_Val1005insGlu (NM_001174095.2); c.2541GGA[6], p.Glu853_Val854insGlu (NM_001323638.2, NM_001323641.2, NM_001323642.2 and 27 more transcripts); c.2973GGA[6], p.Glu997_Val998insGlu (NM_001323674.2); c.2931GGA[6], p.Glu983_Val984insGlu (NM_001323675.2); c.3156GGA[6], p.Glu1058_Val1059insGlu (NM_001323676.2); and 3 more.
Identifiers: ClinVar variation 3910811 (VCV003910811.2).

ClinVar aggregate classification (germline): Conflicting classifications of pathogenicity. Review status: criteria provided, conflicting classifications (1 of 4 stars). 2 submissions from 2 submitters: Uncertain significance (1); Likely benign (1). Last evaluated 2026-01-18.

Submissions (2):

Labcorp Genetics (formerly Invitae), Labcorp
Classification: Uncertain significance. Last evaluated: 2026-01-18. Review status: criteria provided, single submitter. Criteria: Invitae Variant Classification Sherloc (09022015). Collection method: clinical testing. Allele origin: germline.
Comment: This variant, c.3207_3209dup, results in the insertion of 1 amino acid(s) of the ZEB1 protein (p.Glu1071dup), but otherwise preserves the integrity of the reading frame. This variant is present in population databases (rs779328216, gnomAD 0.03%), and has an allele count higher than expected for a pathogenic variant. This variant has not been reported in the literature in individuals affected with ZEB1-related conditions. In summary, the available evidence is currently insufficient to determine the role of this variant in disease. Therefore, it has been classified as a Variant of Uncertain Significance.

Laboratory of Genetics, Children's Clinical University Hospital Latvia
Classification: Likely benign. Last evaluated: 2025-02-16. Review status: criteria provided, single submitter. Criteria: ACMG Guidelines, 2015. Collection method: clinical testing. Allele origin: germline. Affected: yes.